The following is an entry in ClinVar:

ClinVar aggregate classification (germline): Uncertain significance (1 of 4 stars; one submission).

gnomAD v4.1: 2 of 1,614,024 alleles (0.00012%); highest among the groups gnomAD compares: Admixed American, 0.0033%; no homozygotes.

Submission:

CeGaT Center for Human Genetics Tuebingen
Classification: Uncertain significance. Last evaluated: 2025-10-01. Review status: criteria provided, single submitter. Criteria: CeGaT Center For Human Genetics Tuebingen Variant Classification Criteria Version 2. Collection method: clinical testing. Allele origin: germline. Affected: yes. Observed: 1 variant allele.
Comment: CRELD1: PM2

NM_001077415.3(CRELD1):c.986G>C (p.Arg329Pro)

Gene: CRELD1 (CRELD disulfide isomerase 1; plus strand). Cytogenetic location: 3p25.3.
Variant type: single nucleotide variant.
Coding change: c.986G>C on transcript NM_001077415.3 (MANE Select); coding-DNA position 986, G replaced by C.
Protein change: p.Arg329Pro; replaces arginine 329 with proline.
Molecular consequence: missense variant. On other transcripts: non-coding transcript variant (3).
Genome position (GRCh38, 1-based): chr3:9,943,453, G>C. VCF-style: chr3-9943453-G-C. GRCh37 (hg19) VCF-style: chr3-9985137-G-C.
Other names: c.986G>C, p.Arg329Pro (NM_001031717.4, NM_001374316.1, NM_001374317.1 and 3 more transcripts); c.902G>C, p.Arg301Pro (NM_001374319.1, NM_001374320.1); short protein forms R301P, R329P.
Identifiers: ClinVar variation 4534835 (VCV004534835.6).
Genomic context (GRCh38, chr3:9,943,453, plus strand): 5'-GTGAGACAGAGGTGTGTCCGGGAGAGAACAAGCAGTGTGAAAACACCGAGGGCGGTTATC[G>C]CTGCATCTGTGCCGAGGGCTACAAGCAGATGGAAGGCATCTGTGTGAAGGAGCAGATCCC-3'
Protein context (NP_001070883.2, residues 319-339): KQCENTEGGY[Arg329Pro]CICAEGYKQM